The following is an entry in ClinVar:

NM_021971.4(GMPPB):c.304G>A (p.Asp102Asn)

Gene: GMPPB (GDP-mannose pyrophosphorylase B; minus strand). Cytogenetic location: 3p21.31.
Variant type: single nucleotide variant.
Coding change: c.304G>A on transcript NM_021971.4 (MANE Select); coding-DNA position 304, G replaced by A.
Protein change: p.Asp102Asn; replaces aspartic acid 102 with asparagine.
Molecular consequence: missense variant.
Genome position (GRCh38, 1-based): chr3:49,723,070, C>T on the plus strand (G>A on the coding strand, the complement: GMPPB is on the minus strand). VCF-style: chr3-49723070-C-T. GRCh37 (hg19) VCF-style: chr3-49760503-C-T.
Other names: c.304G>A, p.Asp102Asn (NM_013334.4); short protein forms D102N.
Identifiers: ClinVar variation 1350547 (VCV001350547.8), dbSNP rs368542417, ClinGen allele CA352829811.

ClinVar aggregate classification (germline): Uncertain significance (1 of 4 stars; one submission).

Conditions:
Muscular dystrophy-dystroglycanopathy (congenital with impaired intellectual development), type B, 14. Also called: Congenital muscular dystrophy-dystroglycanopathy with mental retardation, type B14; Muscular dystrophy-dystroglycanopathy (congenital with intellectual disability), type B14; MUSCULAR DYSTROPHY, CONGENITAL, GMPPB-RELATED. Identifiers: MedGen C3809221, MONDO:0014141, OMIM 615351.
Autosomal recessive limb-girdle muscular dystrophy type 2T. Also called: Limb-girdle muscular dystrophy-dystroglycanopathy, type C14; MUSCULAR DYSTROPHY-DYSTROGLYCANOPATHY, LIMB-GIRDLE, GMPPB-RELATED; MUSCULAR DYSTROPHY, LIMB-GIRDLE, TYPE 2T; Muscular dystrophy-dystroglycanopathy (limb-girdle), type c, 14. Identifiers: Orphanet 363623, MedGen C4518000, MONDO:0014142, OMIM 615352.
Muscular dystrophy-dystroglycanopathy (congenital with brain and eye anomalies), type A14. Also called: Congenital muscular dystrophy-dystroglycanopathy with brain and eye anomalies, type A14; WALKER-WARBURG SYNDROME OR MUSCLE-EYE-BRAIN DISEASE, GMPPB-RELATED; Muscular dystrophy-dystroglycanopathy (congenital with brain and eye anomalies), type a, 14; Congenital Muscular Dystrophy-Dystroglycanopathy with Brain and Eye Anomalies Type A 14. Identifiers: Orphanet 588, MedGen C3809216, MONDO:0014140, OMIM 615350.

Submission:

Labcorp Genetics (formerly Invitae), Labcorp
Classification: Uncertain significance for Autosomal recessive limb-girdle muscular dystrophy type 2T; Muscular dystrophy-dystroglycanopathy (congenital with brain and eye anomalies), type A14; Muscular dystrophy-dystroglycanopathy (congenital with impaired intellectual development), type B, 14. Last evaluated: 2025-10-02. Review status: criteria provided, single submitter. Criteria: Invitae Variant Classification Sherloc (09022015). Collection method: clinical testing. Allele origin: germline.
Comment: This sequence change replaces aspartic acid, which is acidic and polar, with asparagine, which is neutral and polar, at codon 102 of the GMPPB protein (p.Asp102Asn). This variant is not present in population databases (gnomAD no frequency). This variant has not been reported in the literature in individuals affected with GMPPB-related conditions. ClinVar contains an entry for this variant (Variation ID: 1350547). Invitae Evidence Modeling of protein sequence and biophysical properties (such as structural, functional, and spatial information, amino acid conservation, physicochemical variation, residue mobility, and thermodynamic stability) indicates that this missense variant is not expected to disrupt GMPPB protein function with a negative predictive value of 80%. Algorithms developed to predict the effect of sequence changes on RNA splicing suggest that this variant may disrupt the consensus splice site. In summary, the available evidence is currently insufficient to determine the role of this variant in disease. Therefore, it has been classified as a Variant of Uncertain Significance.